The following is an entry in ClinVar:

NM_020812.4(DOCK6):c.2380A>T (p.Ser794Cys)

Gene: DOCK6 (dedicator of cytokinesis 6; minus strand). Cytogenetic location: 19p13.2.
Variant type: single nucleotide variant.
Coding change: c.2380A>T on transcript NM_020812.4 (MANE Select); coding-DNA position 2380, A replaced by T.
Protein change: p.Ser794Cys; replaces serine 794 with cysteine.
Molecular consequence: missense variant.
Genome position (GRCh38, 1-based): chr19:11,236,358, T>A on the plus strand (A>T on the coding strand, the complement: DOCK6 is on the minus strand). VCF-style: chr19-11236358-T-A. GRCh37 (hg19) VCF-style: chr19-11347034-T-A.
Other names: c.2380A>T, p.Ser794Cys (NM_001367830.1); short protein forms S794C.
Identifiers: ClinVar variation 1898258 (VCV001898258.2), dbSNP rs2513113877, ClinGen allele CA404097237.

ClinVar aggregate classification (germline): Uncertain significance (1 of 4 stars; one submission).

Submission:

Labcorp Genetics (formerly Invitae), Labcorp
Classification: Uncertain significance. Last evaluated: 2022-09-12. Review status: criteria provided, single submitter. Criteria: Invitae Variant Classification Sherloc (09022015). Collection method: clinical testing. Allele origin: germline.
Comment: This sequence change replaces serine, which is neutral and polar, with cysteine, which is neutral and slightly polar, at codon 794 of the DOCK6 protein (p.Ser794Cys). This variant is not present in population databases (gnomAD no frequency). This variant has not been reported in the literature in individuals affected with DOCK6-related conditions. Advanced modeling of protein sequence and biophysical properties (such as structural, functional, and spatial information, amino acid conservation, physicochemical variation, residue mobility, and thermodynamic stability) performed at Invitae indicates that this missense variant is not expected to disrupt DOCK6 protein function. In summary, the available evidence is currently insufficient to determine the role of this variant in disease. Therefore, it has been classified as a Variant of Uncertain Significance.